The following is an entry in ClinVar:

NM_001374736.1(DST):c.20560A>C (p.Asn6854His)

Gene: DST (dystonin; minus strand). Cytogenetic location: 6p12.1.
Variant type: single nucleotide variant.
Coding change: c.20560A>C on transcript NM_001374736.1 (MANE Select); coding-DNA position 20560, A replaced by C.
Protein change: p.Asn6854His; replaces asparagine 6854 with histidine.
Molecular consequence: missense variant.
Genome position (GRCh38, 1-based): chr6:56,492,424, T>G on the plus strand (A>C on the coding strand, the complement: DST is on the minus strand). VCF-style: chr6-56492424-T-G. GRCh37 (hg19) VCF-style: chr6-56357222-T-G.
Other names: c.14203A>C, p.Asn4735His (NM_001144769.5); c.13789A>C, p.Asn4597His (NM_001144770.2); c.20560A>C, p.Asn6854His (NM_001374722.1); c.19600A>C, p.Asn6534His (NM_001374729.1); c.13342A>C, p.Asn4448His (NM_001374730.1); c.20587A>C, p.Asn6863His (NM_001374734.1); c.13669A>C, p.Asn4557His (NM_001386100.1, NM_183380.4); c.12691A>C, p.Asn4231His (NM_015548.5); short protein forms N4231H, N4448H, N4557H, N4597H, N4735H, N6534H, N6854H, N6863H.
Identifiers: ClinVar variation 1056654 (VCV001056654.7), dbSNP rs765658361, ClinGen allele CA3866712.

ClinVar aggregate classification (germline): Uncertain significance. Review status: criteria provided, multiple submitters, no conflicts (2 of 4 stars). 2 submissions from 2 submitters: Uncertain significance (2). Last evaluated 2026-01-05.

Conditions:
Inborn genetic diseases. Identifiers: MedGen C0950123, MeSH D030342.
Epidermolysis bullosa simplex 3, localized or generalized intermediate, with BP230 deficiency (EBS3). Also called: Epidermolysis bullosa simplex due to BP230 deficiency; Epidermolysis bullosa simplex, autosomal recessive 2. Identifiers: Orphanet 412181, MedGen C3809470, MONDO:0014180, OMIM 615425.
Hereditary sensory and autonomic neuropathy type 6. Also called: HSAN VI; Neuropathy, hereditary sensory and autonomic, type VI. Identifiers: Orphanet 314381, MedGen C3539003, MONDO:0013839, OMIM 614653.

Allele frequency attached by ClinVar (database versions not stated): ExAC 0.00001; gnomAD exomes 0.00001 and 0.00002.
gnomAD v4.1: 26 of 1,609,802 alleles (0.0016%); highest among the groups gnomAD compares: East Asian, 0.0022%; no homozygotes.

Submissions (2):

Labcorp Genetics (formerly Invitae), Labcorp
Classification: Uncertain significance for Epidermolysis bullosa simplex 3, localized or generalized intermediate, with BP230 deficiency; Hereditary sensory and autonomic neuropathy type 6. Last evaluated: 2026-01-05. Review status: criteria provided, single submitter. Criteria: Invitae Variant Classification Sherloc (09022015). Collection method: clinical testing. Allele origin: germline.
Comment: The DST gene has multiple clinically relevant transcripts. This variant occurs in alternate transcript NM_015548.4, and corresponds to NM_001723.5:c.*123093A>C in the primary transcript. This sequence change replaces asparagine, which is neutral and polar, with histidine, which is basic and polar, at codon 4231 of the DST protein (p.Asn4231His). This variant is present in population databases (rs765658361, gnomAD 0.005%). This variant has not been reported in the literature in individuals affected with DST-related conditions. In summary, the available evidence is currently insufficient to determine the role of this variant in disease. Therefore, it has been classified as a Variant of Uncertain Significance.

Ambry Genetics
Classification: Uncertain significance for Inborn genetic diseases. Last evaluated: 2022-11-04. Review status: criteria provided, single submitter. Criteria: Ambry Variant Classification Scheme 2023. Collection method: clinical testing. Allele origin: germline.
Comment: Unlikely to be causative of DST-related epidermolysis bullosa simplex (AR) Based on insufficient or conflicting evidence, the clinical significance of this alteration remains unclear.